The following is an entry in ClinVar:

ClinVar aggregate classification (germline): Uncertain significance (1 of 4 stars; one submission).

Submission:

Labcorp Genetics (formerly Invitae), Labcorp
Classification: Uncertain significance. Last evaluated: 2025-02-25. Review status: criteria provided, single submitter. Criteria: Invitae Variant Classification Sherloc (09022015). Collection method: clinical testing. Allele origin: germline.
Comment: This sequence change replaces glycine, which is neutral and non-polar, with valine, which is neutral and non-polar, at codon 683 of the ARID1B protein (p.Gly683Val). This variant is not present in population databases (gnomAD no frequency). This variant has not been reported in the literature in individuals affected with ARID1B-related conditions. Invitae Evidence Modeling of protein sequence and biophysical properties (such as structural, functional, and spatial information, amino acid conservation, physicochemical variation, residue mobility, and thermodynamic stability) indicates that this missense variant is not expected to disrupt ARID1B protein function with a negative predictive value of 95%. In summary, the available evidence is currently insufficient to determine the role of this variant in disease. Therefore, it has been classified as a Variant of Uncertain Significance.

NM_001374828.1(ARID1B):c.2258G>T (p.Gly753Val)

Gene: ARID1B (AT-rich interaction domain 1B; plus strand). Cytogenetic location: 6q25.3.
Variant type: single nucleotide variant.
Coding change: c.2258G>T on transcript NM_001374828.1 (MANE Select); coding-DNA position 2258, G replaced by T.
Protein change: p.Gly753Val; replaces glycine 753 with valine.
Molecular consequence: missense variant. On other transcripts: 5 prime UTR variant (2).
Genome position (GRCh38, 1-based): chr6:157,084,672, G>T. VCF-style: chr6-157084672-G-T. GRCh37 (hg19) VCF-style: chr6-157405806-G-T.
Other names: c.-242G>T (NM_001363725.2, NM_001438488.1); c.2297G>T, p.Gly766Val (NM_001371656.1, NM_001374820.1); c.2258G>T, p.Gly753Val (NM_001438482.1, NM_001438485.1, NM_001438487.1 and 1 more transcripts); c.2300G>T, p.Gly767Val (NM_001438483.1, NM_001438486.1); short protein forms G753V, G766V, G767V.
Identifiers: ClinVar variation 4801397 (VCV004801397.1).
Genomic context (GRCh38, chr6:157,084,672, plus strand): 5'-GATATTCATCCAAACGTGTCACTCTATAAATACATCTTTTCCTTTCTTAGGATCTGTCTG[G>T]CTCCATTGATGACCTCCCCACGGGAACGGAAGCAACTTTGAGCTCAGCAGTCAGTGCATC-3'
Protein context (NP_001361757.1, residues 743-763): ERPSSLPDLS[Gly753Val]SIDDLPTGTE